The following is an entry in ClinVar:

ClinVar aggregate classification (germline): Uncertain significance (1 of 4 stars; one submission).

Conditions:
Dilated cardiomyopathy 1W (CMD1W). Identifiers: Orphanet 154, MedGen C1969639, MONDO:0012667, OMIM 611407.

gnomAD v4.1: 1 of 1,614,078 alleles (0.000062%); highest among the groups gnomAD compares: Non-Finnish European, 0.000085%; no homozygotes.

Submission:

Labcorp Genetics (formerly Invitae), Labcorp
Classification: Uncertain significance for Dilated cardiomyopathy 1W. Last evaluated: 2024-03-21. Review status: criteria provided, single submitter. Criteria: Invitae Variant Classification Sherloc (09022015). Collection method: clinical testing. Allele origin: germline.
Comment: This sequence change replaces valine, which is neutral and non-polar, with alanine, which is neutral and non-polar, at codon 1102 of the VCL protein (p.Val1102Ala). This variant is present in population databases (rs770283441, gnomAD 0.0009%). This variant has not been reported in the literature in individuals affected with VCL-related conditions. An algorithm developed to predict the effect of missense changes on protein structure and function (PolyPhen-2) suggests that this variant is likely to be disruptive. In summary, the available evidence is currently insufficient to determine the role of this variant in disease. Therefore, it has been classified as a Variant of Uncertain Significance.

NM_014000.3(VCL):c.3305T>C (p.Val1102Ala)

Gene: VCL (vinculin; plus strand). Cytogenetic location: 10q22.2.
Variant type: single nucleotide variant.
Coding change: c.3305T>C on transcript NM_014000.3 (MANE Select); coding-DNA position 3305, T replaced by C.
Protein change: p.Val1102Ala; replaces valine 1102 with alanine.
Molecular consequence: missense variant.
Genome position (GRCh38, 1-based): chr10:74,118,069, T>C. VCF-style: chr10-74118069-T-C. GRCh37 (hg19) VCF-style: chr10-75877827-T-C.
Other names: c.3101T>C, p.Val1034Ala (NM_003373.4); short protein forms V1034A, V1102A.
Identifiers: ClinVar variation 3647222 (VCV003647222.2).
Genomic context (GRCh38, chr10:74,118,069, plus strand): 5'-CTTTTTCCTTGCAGGCCACAGAGATGCTGGTTCACAATGCCCAGAACCTCATGCAGTCTG[T>C]GAAGGAGACTGTGCGGGAAGCTGAAGCTGCTTCAATCAAAATTCGAACAGATGCTGGATT-3'
Protein context (NP_054706.1, residues 1092-1112): VHNAQNLMQS[Val1102Ala]KETVREAEAA